The following is an entry in ClinVar:

ClinVar aggregate classification (germline): Likely benign. Review status: criteria provided, multiple submitters, no conflicts (2 of 4 stars). 3 submissions from 3 submitters: Likely benign (2). 1 of the submissions does not count toward it. Last evaluated 2025-10-26.

Conditions:
ANLN-related disorder. Also called: ANLN-related condition.

Allele frequency attached by ClinVar (database versions not stated): gnomAD exomes 0.00003 and 0.00018; ExAC 0.00027; 1000 Genomes Project 0.00040; 1000 Genomes Project 30x 0.00047; gnomAD 0.00057 and 0.00061; TOPMed 0.00059; ESP Exome Variant Server 0.00085.
gnomAD v4.1: 133 of 1,607,464 alleles (0.0083%); highest among the groups gnomAD compares: African/African-American, 0.15%; no homozygotes.

Submissions (3):

Labcorp Genetics (formerly Invitae), Labcorp
Classification: Likely benign. Last evaluated: 2025-10-26. Review status: criteria provided, single submitter. Criteria: Invitae Variant Classification Sherloc (09022015). Collection method: clinical testing. Allele origin: germline.

Blueprint Genetics
Classification: Likely benign. Last evaluated: 2024-07-10. Review status: criteria provided, single submitter. Criteria: ACMG Guidelines, 2015. Collection method: clinical testing. Allele origin: germline.

PreventionGenetics, part of Exact Sciences
Classification: Likely benign for ANLN-related condition. Last evaluated: 2019-12-26. Review status: no assertion criteria provided. Collection method: clinical testing. Allele origin: germline. Not counted in ClinVar's aggregate classification.
Comment: This variant is classified as likely benign based on ACMG/AMP sequence variant interpretation guidelines (Richards et al. 2015 PMID: 25741868, with internal and published modifications).

NM_018685.5(ANLN):c.1360G>A (p.Gly454Arg)

Gene: ANLN (anillin, actin binding protein; plus strand). Cytogenetic location: 7p14.2.
Variant type: single nucleotide variant.
Coding change: c.1360G>A on transcript NM_018685.5 (MANE Select); coding-DNA position 1360, G replaced by A.
Protein change: p.Gly454Arg; replaces glycine 454 with arginine.
Molecular consequence: missense variant.
Genome position (GRCh38, 1-based): chr7:36,411,131, G>A. VCF-style: chr7-36411131-G-A. GRCh37 (hg19) VCF-style: chr7-36450740-G-A.
Other names: c.1360G>A, p.Gly454Arg (NM_001284301.3, NM_001284302.3); c.1360G>A (NM_018685.4); short protein forms G454R.
Identifiers: ClinVar variation 1111510 (VCV001111510.12), dbSNP rs144175389, ClinGen allele CA4219573.